The following is an entry in ClinVar:

NM_002381.5(MATN3):c.533C>T (p.Ala178Val)

Gene: MATN3 (matrilin 3; minus strand). Cytogenetic location: 2p24.1.
Variant type: single nucleotide variant.
Coding change: c.533C>T on transcript NM_002381.5 (MANE Select); coding-DNA position 533, C replaced by T.
Protein change: p.Ala178Val; replaces alanine 178 with valine.
Molecular consequence: missense variant.
Genome position (GRCh38, 1-based): chr2:20,006,001, G>A on the plus strand (C>T on the coding strand, the complement: MATN3 is on the minus strand). VCF-style: chr2-20006001-G-A. GRCh37 (hg19) VCF-style: chr2-20205762-G-A.
Other names: short protein forms A178V.
Identifiers: ClinVar variation 4768780 (VCV004768780.1).

ClinVar aggregate classification (germline): Uncertain significance (1 of 4 stars; one submission).

gnomAD v4.1: 18 of 1,614,010 alleles (0.0011%); highest among the groups gnomAD compares: Non-Finnish European, 0.00034%; no homozygotes.

Submission:

Labcorp Genetics (formerly Invitae), Labcorp
Classification: Uncertain significance. Last evaluated: 2025-02-06. Review status: criteria provided, single submitter. Criteria: Invitae Variant Classification Sherloc (09022015). Collection method: clinical testing. Allele origin: germline.
Comment: This sequence change replaces alanine, which is neutral and non-polar, with valine, which is neutral and non-polar, at codon 178 of the MATN3 protein (p.Ala178Val). This variant is present in population databases (no rsID available, gnomAD 0.04%). This variant has not been reported in the literature in individuals affected with MATN3-related conditions. Invitae Evidence Modeling of protein sequence and biophysical properties (such as structural, functional, and spatial information, amino acid conservation, physicochemical variation, residue mobility, and thermodynamic stability) indicates that this missense variant is not expected to disrupt MATN3 protein function with a negative predictive value of 80%. Algorithms developed to predict the effect of sequence changes on RNA splicing suggest that this variant may create or strengthen a splice site. In summary, the available evidence is currently insufficient to determine the role of this variant in disease. Therefore, it has been classified as a Variant of Uncertain Significance.